The following is an entry in ClinVar:

NM_001042492.3(NF1):c.1611_1612del (p.Met538fs)

Gene: NF1 (neurofibromin 1; plus strand). Cytogenetic location: 17q11.2.
Variant type: Microsatellite.
Coding change: c.1611_1612del on transcript NM_001042492.3 (MANE Select); coding-DNA positions 1611 to 1612, 2 bases deleted (CA; older notation c.1611_1612delCA).
Protein change: p.Met538fs; shifts the reading frame from methionine 538.
Molecular consequence: frameshift variant.
Genome position (GRCh38, 1-based): chr17:31,219,088-31,219,089, CA deleted; deleting any 2 consecutive bases within chr17:31,219,084-31,219,089 gives the same sequence; the c. name uses the placement nearest the transcript's 3' end. VCF-style (leftmost placement, unchanged base first): chr17-31219083-TCA-T. GRCh37 (hg19) VCF-style: chr17-29546101-TCA-T.
Other names: c.1607_1608CA[2], p.Met538Alafs (NM_000267.4); c.1611_1612del, p.Met538fs (NM_001128147.3); short protein forms M538fs.
Identifiers: ClinVar variation 862340 (VCV000862340.6), dbSNP rs2066876556, ClinGen allele CA916080572.
Genomic context (GRCh38, chr17:31,219,083, plus strand): 5'-CCCGAAACCCAAGGCAGTACAGCAGAATTAATTACAGGGCTCGTCCAACTGGTCCCTCAG[TCA>T]CACATGCCAGAGATTGCTCAGGAAGCAATGGAGGTAAGGGGAAAATGAATTCCATGTTCT-3'

ClinVar aggregate classification (germline): Pathogenic (1 of 4 stars; one submission).

Conditions:
Neurofibromatosis, type 1 (NF1). Also called: Neurofibromatosis, type I; VON RECKLINGHAUSEN DISEASE; Peripheral type neurofibromatosis; NEUROFIBROMATOSIS, TYPE I, SOMATIC. Identifiers: Orphanet 636, MedGen C0027831, MONDO:0018975, OMIM 162200. Disease mechanism: loss of function.

Submission:

Labcorp Genetics (formerly Invitae), Labcorp
Classification: Pathogenic for Neurofibromatosis, type 1. Last evaluated: 2019-12-03. Review status: criteria provided, single submitter. Criteria: Invitae Variant Classification Sherloc (09022015). Collection method: clinical testing. Allele origin: germline.
Comment: For these reasons, this variant has been classified as Pathogenic. Loss-of-function variants in NF1 are known to be pathogenic (PMID: 10712197, 23913538). This variant has not been reported in the literature in individuals with NF1-related conditions. This variant is not present in population databases (ExAC no frequency). This sequence change creates a premature translational stop signal (p.Met538Alafs*19) in the NF1 gene. It is expected to result in an absent or disrupted protein product.

Literature cited by the submitters: PubMed 10712197; PubMed 23913538.